The following is an entry in ClinVar:

ClinVar aggregate classification (germline): Uncertain significance. Review status: criteria provided, single submitter (1 of 4 stars). 2 submissions from 2 submitters: Uncertain significance (1). 1 of the submissions does not count toward it. Last evaluated 2022-05-06.

Allele frequency attached by ClinVar (database versions not stated): gnomAD exomes below 0.00001 and 0.00001; gnomAD 0.00001.
gnomAD v4.1: 22 of 1,613,440 alleles (0.0014%); highest among the groups gnomAD compares: Middle Eastern, 0.016%; no homozygotes.

Submissions (2):

Revvity Omics, Revvity
Classification: Uncertain significance. Last evaluated: 2022-05-06. Review status: criteria provided, single submitter. Criteria: ACMG Guidelines, 2015. Collection method: clinical testing. Allele origin: germline.

GeneDx
No classification provided. Last evaluated: 2014-07-09. Review status: no classification provided. Criteria: GeneDx Variant Classification (06012015). Collection method: clinical testing. Allele origin: germline. Affected: yes. Not counted in ClinVar's aggregate classification.
Comment: Missense variants in the TTN gene are considered 'unclassified' if they are not previously reported in the literature and do not have >1% frequency in the population to be considered a polymorphism. Research indicates that truncating mutations in the TTN gene are expected to account for approximately 25% of familial and 18% of sporadic idiopathic DCM; however, truncating variants in the TTN gene have been reported in approximately 3% of reported control alleles. There has been little investigation into non-truncating variants. (Herman D et al. Truncations of titin causing dilated cardiomyopathy. N Eng J Med 366:619-628, 2012) The variant is found in CARDIOMYOPATHY panel(s).

NM_001267550.2(TTN):c.30220G>A (p.Glu10074Lys)

Gene: TTN (titin; minus strand). Cytogenetic location: 2q31.2.
Variant type: single nucleotide variant.
Coding change: c.30220G>A on transcript NM_001267550.2 (MANE Select); coding-DNA position 30220, G replaced by A.
Protein change: p.Glu10074Lys; replaces glutamic acid 10074 with lysine.
Molecular consequence: missense variant. On other transcripts: intron variant (3).
Genome position (GRCh38, 1-based): chr2:178,704,150, C>T on the plus strand (G>A on the coding strand, the complement: TTN is on the minus strand). VCF-style: chr2-178704150-C-T. GRCh37 (hg19) VCF-style: chr2-179568877-C-T.
Other names: p.E9757K:GAA>AAA; c.29269G>A, p.Glu9757Lys (NM_001256850.1); c.26488G>A, p.Glu8830Lys (NM_133378.4); c.13282+33932G>A (NM_003319.4); c.13858+33932G>A (NM_133437.4); c.13657+33932G>A (NM_133432.3); short protein forms E10074K, E9757K, E8830K.
Identifiers: ClinVar variation 202554 (VCV000202554.16), dbSNP rs794729402, ClinGen allele CA309572.